The following is an entry in ClinVar:

ClinVar aggregate classification (germline): Likely benign (1 of 4 stars; one submission).

Allele frequency attached by ClinVar (database versions not stated): TOPMed below 0.00001; gnomAD 0.00001; gnomAD exomes 0.00001.

Submission:

Women's Health and Genetics/Laboratory Corporation of America, LabCorp
Classification: Likely benign. Last evaluated: 2021-09-24. Review status: criteria provided, single submitter. Criteria: LabCorp Variant Classification Summary - May 2015. Collection method: clinical testing. Allele origin: germline.
Comment: Variant summary: CFTR c.1767-81_1767-80delAT is located at a position not widely known to affect splicing. 4/4 computational tools predict no significant impact on normal splicing. However, these predictions have yet to be confirmed by functional studies. The variant allele was found at a frequency of 1.3e-05 in 151926 control chromosomes. The available data on variant occurrences in the general population are insufficient to allow any conclusion about variant significance. To our knowledge, no occurrence of c.1767-81_1767-80delAT in individuals affected with Cystic Fibrosis or any other disorders and no experimental evidence demonstrating its impact on protein function have been reported. No clinical diagnostic laboratories have submitted clinical-significance assessments for this variant to ClinVar after 2014. Based on the evidence outlined above, the variant was classified as likely benign.

NM_000492.4(CFTR):c.1767-81_1767-80del

Gene: CFTR (CF transmembrane conductance regulator; plus strand). Cytogenetic location: 7q31.2.
Variant type: Deletion.
Coding change: c.1767-81_1767-80del on transcript NM_000492.4 (MANE Select); 81 bases into the intron before coding-DNA position 1767 through 80 bases into the intron before coding-DNA position 1767, 2 bases deleted (AT; older notation c.1767-81_1767-80delAT).
Molecular consequence: intron variant.
Genome position (GRCh38, 1-based): chr7:117,591,853-117,591,854, AT deleted. VCF-style (leftmost placement, unchanged base first): chr7-117591852-CAT-C. GRCh37 (hg19) VCF-style: chr7-117231906-CAT-C.
Identifiers: ClinVar variation 1301328 (VCV001301328.1), dbSNP rs1584812043, ClinGen allele CA918111644.
Genomic context (GRCh38, chr7:117,591,852, plus strand): 5'-TACTTATAGAATCATTTAAAATATAATAAAATTGTATGATAGAGATTATATGCAATAAAA[CAT>C]TAACAAAATGCTAAAATACGAGACATATTGCAATAAAGTATTTATAAAATTGATATTTAT-3'